The following is an entry in ClinVar:

ClinVar aggregate classification (germline): Uncertain significance (1 of 4 stars; one submission).

Conditions:
Vissers-Bodmer syndrome. Identifiers: MedGen C5436647, MONDO:0033618, OMIM 619033.
Holoprosencephaly 12 with or without pancreatic agenesis. Identifiers: MedGen C5193131, MONDO:0032787, OMIM 618500.

Submission:

Juno Genomics, Hangzhou Juno Genomics, Inc
Classification: Uncertain significance for Vissers-Bodmer syndrome; Holoprosencephaly 12 with or without pancreatic agenesis. Review status: criteria provided, single submitter. Criteria: ACMG Guidelines, 2015. Collection method: clinical testing. Allele origin: germline.
Comment: Null variant in a gene where loss of function (LOF) is a known mechanism of disease.;Absent from controls (or at extremely low frequency if recessive) in Genome Aggregation Database.

NM_016284.5(CNOT1):c.378+1G>A

Gene: CNOT1 (CCR4-NOT transcription complex subunit 1; minus strand). Cytogenetic location: 16q21.
Variant type: single nucleotide variant.
Coding change: c.378+1G>A on transcript NM_016284.5 (MANE Select); the canonical splice donor site of the intron after coding-DNA position 378, G replaced by A.
Molecular consequence: splice donor variant.
Genome position (GRCh38, 1-based): chr16:58,587,344, C>T on the plus strand (G>A on the coding strand, the complement: CNOT1 is on the minus strand). VCF-style: chr16-58587344-C-T. GRCh37 (hg19) VCF-style: chr16-58621248-C-T.
Other names: c.378+1G>A (NM_001265612.2, NM_206999.3).
Identifiers: ClinVar variation 5005613 (VCV005005613.2).